The following is an entry in ClinVar:

NM_021625.5(TRPV4):c.2321G>A (p.Arg774His)

Gene: TRPV4 (transient receptor potential cation channel subfamily V member 4; minus strand). Cytogenetic location: 12q24.11.
Variant type: single nucleotide variant.
Coding change: c.2321G>A on transcript NM_021625.5 (MANE Select); coding-DNA position 2321, G replaced by A.
Protein change: p.Arg774His; replaces arginine 774 with histidine.
Molecular consequence: missense variant.
Genome position (GRCh38, 1-based): chr12:109,786,725, C>T on the plus strand (G>A on the coding strand, the complement: TRPV4 is on the minus strand). VCF-style: chr12-109786725-C-T. GRCh37 (hg19) VCF-style: chr12-110224530-C-T.
Other names: c.2219G>A, p.Arg740His (NM_001177431.2); c.2000G>A, p.Arg667His (NM_001177433.2); c.2141G>A, p.Arg714His (NM_147204.3); c.2180G>A, p.Arg727His (NM_001177428.2); short protein forms R727H, R714H, R740H, R774H, R667H.
Identifiers: ClinVar variation 2889059 (VCV002889059.4), dbSNP rs768220461, ClinGen allele CA6779964.

ClinVar aggregate classification (germline): Uncertain significance. Review status: criteria provided, multiple submitters, no conflicts (2 of 4 stars). 2 submissions from 2 submitters: Uncertain significance (2). Last evaluated 2023-08-02.

Conditions:
Charcot-Marie-Tooth disease axonal type 2C (HMSN2C). Also called: CHARCOT-MARIE-TOOTH DISEASE, AXONAL, AUTOSOMAL DOMINANT, TYPE 2C; Charcot-Marie-Tooth Neuropathy Type 2C; Charcot-Marie-Tooth Disease Type 2, TRPV4-Related (CMT2C). Identifiers: Orphanet 99937, MedGen C1853710, MONDO:0011633, OMIM 606071.
Scapuloperoneal spinal muscular atrophy (SPSMA). Also called: Scapuloperoneal Form of Spinal Muscular Atrophy; Scapuloperoneal Spinal Muscular Atrophy, TRPV4-Related; AMYOTROPHY, NEUROGENIC SCAPULOPERONEAL, NEW ENGLAND TYPE; Scapuloperoneal spinal muscular atrophy, autosomal dominant. Identifiers: Orphanet 431255, MedGen C0751335, MONDO:0008408, OMIM 181405.
Familial digital arthropathy-brachydactyly. Identifiers: Orphanet 85169, MedGen C1847406, MONDO:0011732, OMIM 606835.
Parastremmatic dwarfism. Identifiers: Orphanet 2646, MedGen C1868616, MONDO:0008196, OMIM 168400.
Brachyrachia (short spine dysplasia) (BCYM3). Also called: BRACHYRACHIA; Brachyolmia Type 3; Brachyolmia, TRPV4-Related; Autosomal dominant brachyolmia. Identifiers: Orphanet 93304, MedGen C0432227, MONDO:0007232, OMIM 113500.
Metatropic dysplasia (MTD). Also called: METATROPIC DWARFISM; Metatropic dysplasia, nonlethal dominant; Metatropic Dysplasia, TRPV4-Related. Identifiers: Orphanet 2635, MedGen C0265281, MONDO:0007986, OMIM 156530.
Sodium serum level quantitative trait locus 1 (SSQTL1). Identifiers: MedGen C3150755, OMIM 613508.
Spondylometaphyseal dysplasia, Kozlowski type (SMDK). Also called: Dysmorphism arthrogryposis skeletal maturation advanced; Jequier-Kozlowski syndrome; Skeletal dysplasia Jequier-Kozlowski type; SMD Kozlowski type; Spondylometaphyseal Dysplasia, TRPV4-Related (Kozlowski Type). Identifiers: Orphanet 93314, MedGen C0265280, MONDO:0008477, OMIM 184252.
Spondyloepimetaphyseal dysplasia, Maroteaux type (SEDM). Also called: SED, MAROTEAUX TYPE; PSEUDO-MORQUIO SYNDROME, TYPE 2; Spondyloepimetaphyseal Dysplasia, TRPV4-Related (Maroteaux Type). Identifiers: Orphanet 263482, MedGen C3159322, MONDO:0008473, OMIM 184095.
Neuronopathy, distal hereditary motor, autosomal dominant 8. Also called: SPINAL MUSCULAR ATROPHY, CONGENITAL BENIGN, WITH CONTRACTURES; NEURONOPATHY, DISTAL HEREDITARY MOTOR, TYPE VIII; NEUROPATHY, DISTAL HEREDITARY MOTOR, TYPE VIII; Autosomal dominant congenital benign spinal muscular atrophy. Identifiers: Orphanet 1216, MedGen C1838492, MONDO:0010839, OMIM 600175.
Avascular necrosis of femoral head, primary, 2 (ANFH2). Identifiers: MedGen C4479260, MONDO:0054551, OMIM 617383.

Allele frequency attached by ClinVar (database versions not stated): ExAC 0.00001; TOPMed below 0.00001.
gnomAD v4.1: 12 of 1,613,728 alleles (0.00074%); highest among the groups gnomAD compares: Middle Eastern, 0.016%; no homozygotes.

Submissions (2):

Labcorp Genetics (formerly Invitae), Labcorp
Classification: Uncertain significance for Charcot-Marie-Tooth disease axonal type 2C. Last evaluated: 2023-08-02. Review status: criteria provided, single submitter. Criteria: Invitae Variant Classification Sherloc (09022015). Collection method: clinical testing. Allele origin: germline.
Comment: This sequence change replaces arginine, which is basic and polar, with histidine, which is basic and polar, at codon 774 of the TRPV4 protein (p.Arg774His). This variant is present in population databases (rs768220461, gnomAD 0.002%). This variant has not been reported in the literature in individuals affected with TRPV4-related conditions. Advanced modeling of protein sequence and biophysical properties (such as structural, functional, and spatial information, amino acid conservation, physicochemical variation, residue mobility, and thermodynamic stability) performed at Invitae indicates that this missense variant is not expected to disrupt TRPV4 protein function. In summary, the available evidence is currently insufficient to determine the role of this variant in disease. Therefore, it has been classified as a Variant of Uncertain Significance.

Kariminejad - Najmabadi Pathology & Genetics Center
Classification: Uncertain significance for Avascular necrosis of femoral head, primary, 2; Sodium serum level quantitative trait locus 1; Brachyrachia (short spine dysplasia); Familial digital arthropathy-brachydactyly; Charcot-Marie-Tooth disease axonal type 2C; Metatropic dysplasia; Neuronopathy, distal hereditary motor, autosomal dominant 8; Parastremmatic dwarfism; Scapuloperoneal spinal muscular atrophy; Spondyloepimetaphyseal dysplasia, Maroteaux type; Spondylometaphyseal dysplasia, Kozlowski type. Last evaluated: 2020-03-11. Review status: criteria provided, single submitter. Criteria: ACMG Guidelines, 2015. Collection method: clinical testing. Allele origin: germline. Inheritance: Autosomal dominant inheritance. Affected: yes.
Comment: PM2, PP2, PP3